The following is an entry in ClinVar:

NM_144666.3(DNHD1):c.3838C>G (p.Pro1280Ala)

Gene: DNHD1 (dynein heavy chain domain 1; plus strand). Cytogenetic location: 11p15.4.
Variant type: single nucleotide variant.
Coding change: c.3838C>G on transcript NM_144666.3 (MANE Select); coding-DNA position 3838, C replaced by G.
Protein change: p.Pro1280Ala; replaces proline 1280 with alanine.
Molecular consequence: missense variant.
Genome position (GRCh38, 1-based): chr11:6,544,657, C>G. VCF-style: chr11-6544657-C-G. GRCh37 (hg19) VCF-style: chr11-6565887-C-G.
Other names: short protein forms P1280A.
Identifiers: ClinVar variation 3342731 (VCV003342731.1).

ClinVar aggregate classification (germline): Uncertain significance (1 of 4 stars; one submission).

Submission:

GeneDx
Classification: Uncertain significance. Last evaluated: 2022-12-01. Review status: criteria provided, single submitter. Criteria: GeneDx Variant Classification Process June 2021. Collection method: clinical testing. Allele origin: germline. Affected: yes.
Comment: Not observed at significant frequency in large population cohorts (gnomAD); In silico analysis supports that this missense variant has a deleterious effect on protein structure/function; Has not been previously published as pathogenic or benign to our knowledge; Variants in candidate genes are classified as variants of uncertain significance in accordance with ACMG guidelines (Richards et al., 2015)